The following is an entry in ClinVar:

ClinVar aggregate classification (germline): Benign. Review status: criteria provided, single submitter (1 of 4 stars). 2 submissions from 2 submitters: Benign (1). 1 of the submissions does not count toward it. Last evaluated 2018-12-05.

Conditions:
PRKAR1B-related disorder. Also called: PRKAR1B-related condition.

Allele frequency attached by ClinVar (database versions not stated): 1000 Genomes Project 0.00799; ESP Exome Variant Server 0.00738; TOPMed 0.00667; gnomAD 0.00685; 1000 Genomes Project 30x 0.00984.
gnomAD v4.1: 1,912 of 1,613,870 alleles (0.12%); highest among the groups gnomAD compares: African/African-American, 2.3%; 20 homozygotes.

Submissions (5):

Labcorp Genetics (formerly Invitae), Labcorp
Classification: Benign. Last evaluated: 2018-12-05. Review status: criteria provided, single submitter. Criteria: Invitae Variant Classification Sherloc (09022015). Collection method: clinical testing. Allele origin: germline.

PreventionGenetics, part of Exact Sciences
Classification: Benign for PRKAR1B-related condition. Last evaluated: 2019-04-10. Review status: no assertion criteria provided. Collection method: clinical testing. Allele origin: germline. Not counted in ClinVar's aggregate classification.
Comment: This variant is classified as benign based on ACMG/AMP sequence variant interpretation guidelines (Richards et al. 2015 PMID: 25741868, with internal and published modifications).

Dr. Peter K. Rogan Lab, Western University
No classification provided (evidence only). Condition: Lung cancer. Review status: no classification provided. Collection method: in vitro. Allele origin: not applicable. Functional consequence: retained intron. Not counted in ClinVar's aggregate classification.

Dr. Peter K. Rogan Lab, Western University
No classification provided (evidence only). Condition: Uterine corpus endometrial carcinoma. Review status: no classification provided. Collection method: in vitro. Allele origin: not applicable. Functional consequence: retained intron. Not counted in ClinVar's aggregate classification.

Dr. Peter K. Rogan Lab, Western University
No classification provided (evidence only). Condition: Ovarian serous cystadenocarcinoma. Review status: no classification provided. Collection method: in vitro. Allele origin: not applicable. Functional consequence: retained intron. Not counted in ClinVar's aggregate classification.

NM_001164760.2(PRKAR1B):c.178-3C>T

Gene: PRKAR1B (protein kinase cAMP-dependent type I regulatory subunit beta; minus strand). Cytogenetic location: 7p22.3.
Variant type: single nucleotide variant.
Coding change: c.178-3C>T on transcript NM_001164760.2 (MANE Select); 3 bases into the intron before coding-DNA position 178, C replaced by T.
Molecular consequence: intron variant.
Genome position (GRCh38, 1-based): chr7:680,729, G>A on the plus strand (C>T on the coding strand, the complement: PRKAR1B is on the minus strand). VCF-style: chr7-680729-G-A. GRCh37 (hg19) VCF-style: chr7-720366-G-A.
Other names: NC_000007.13:g.720366G>A; c.178-3C>T (NM_001164759.1, NM_001164758.2, NM_001164761.2 and 2 more transcripts).
Identifiers: ClinVar variation 733658 (VCV000733658.6), dbSNP rs116198569, ClinGen allele CA4110253.